The following is an entry in ClinVar:

ClinVar aggregate classification (germline): Uncertain significance. Review status: criteria provided, multiple submitters, no conflicts (2 of 4 stars). 2 submissions from 2 submitters: Uncertain significance (2). Last evaluated 2021-09-01.

Allele frequency attached by ClinVar (database versions not stated): gnomAD 0.00001; TOPMed 0.00001; gnomAD exomes 0.00004; ExAC 0.00007.
gnomAD v4.1: 56 of 1,613,360 alleles (0.0035%); highest among the groups gnomAD compares: South Asian, 0.018%; no homozygotes.

Submissions (2):

Labcorp Genetics (formerly Invitae), Labcorp
Classification: Uncertain significance. Last evaluated: 2021-09-01. Review status: criteria provided, single submitter. Criteria: Invitae Variant Classification Sherloc (09022015). Collection method: clinical testing. Allele origin: germline.
Comment: This sequence change replaces arginine with tryptophan at codon 963 of the LAMC3 protein (p.Arg963Trp). The arginine residue is moderately conserved and there is a moderate physicochemical difference between arginine and tryptophan. This variant is present in population databases (rs778891263, ExAC 0.04%). This variant has not been reported in the literature in individuals affected with LAMC3-related conditions. Algorithms developed to predict the effect of missense changes on protein structure and function output the following: SIFT: "Deleterious"; PolyPhen-2: "Probably Damaging"; Align-GVGD: "Class C0". The tryptophan amino acid residue is found in multiple mammalian species, which suggests that this missense change does not adversely affect protein function. In summary, the available evidence is currently insufficient to determine the role of this variant in disease. Therefore, it has been classified as a Variant of Uncertain Significance.

Breakthrough Genomics
Classification: Uncertain significance. Review status: criteria provided, single submitter. Criteria: ACMG Guidelines, 2015. Collection method: not provided. Allele origin: germline. Inheritance: Autosomal recessive inheritance. Affected: yes.

NM_006059.4(LAMC3):c.2887C>T (p.Arg963Trp)

Gene: LAMC3 (laminin subunit gamma 3; plus strand). Cytogenetic location: 9q34.12.
Variant type: single nucleotide variant.
Coding change: c.2887C>T on transcript NM_006059.4 (MANE Select); coding-DNA position 2887, C replaced by T.
Protein change: p.Arg963Trp; replaces arginine 963 with tryptophan.
Molecular consequence: missense variant.
Genome position (GRCh38, 1-based): chr9:131,069,047, C>T. VCF-style: chr9-131069047-C-T. GRCh37 (hg19) VCF-style: chr9-133944434-C-T.
Other names: short protein forms R963W.
Identifiers: ClinVar variation 1467340 (VCV001467340.6), dbSNP rs778891263, ClinGen allele CA5287596.
Genomic context (GRCh38, chr9:131,069,047, plus strand): 5'-ACAGGCCAGGCCTGTGACAGGTGCCAGCTGGGTTTCTTCGGCTTCTCCATCAAGGGCTGC[C>T]GGGGTAAGGAGGCTGGGTCCTTCCCGGGCTGCCCTGAGGGTGGGGCCCGAGGGTCTCTGG-3'
Protein context (NP_006050.3, residues 953-973): GFFGFSIKGC[Arg963Trp]ACRCSPLGAA